The following is an entry in ClinVar:

ClinVar aggregate classification (germline): Uncertain significance (1 of 4 stars; one submission).

gnomAD v4.1: 1 of 1,613,892 alleles (0.000062%); highest among the groups gnomAD compares: East Asian, 0.0022%; no homozygotes.

Submission:

Labcorp Genetics (formerly Invitae), Labcorp
Classification: Uncertain significance. Last evaluated: 2024-04-01. Review status: criteria provided, single submitter. Criteria: Invitae Variant Classification Sherloc (09022015). Collection method: clinical testing. Allele origin: germline.
Comment: This sequence change replaces histidine, which is basic and polar, with asparagine, which is neutral and polar, at codon 184 of the LCT protein (p.His184Asn). This variant is not present in population databases (gnomAD no frequency). This variant has not been reported in the literature in individuals affected with LCT-related conditions. Algorithms developed to predict the effect of missense changes on protein structure and function output the following: SIFT: "Not Available"; PolyPhen-2: "Benign"; Align-GVGD: "Not Available". The asparagine amino acid residue is found in multiple mammalian species, which suggests that this missense change does not adversely affect protein function. In summary, the available evidence is currently insufficient to determine the role of this variant in disease. Therefore, it has been classified as a Variant of Uncertain Significance.

NM_002299.4(LCT):c.550C>A (p.His184Asn)

Gene: LCT (lactase; minus strand). Cytogenetic location: 2q21.3.
Variant type: single nucleotide variant.
Coding change: c.550C>A on transcript NM_002299.4 (MANE Select); coding-DNA position 550, C replaced by A.
Protein change: p.His184Asn; replaces histidine 184 with asparagine.
Molecular consequence: missense variant.
Genome position (GRCh38, 1-based): chr2:135,836,620, G>T on the plus strand (C>A on the coding strand, the complement: LCT is on the minus strand). VCF-style: chr2-135836620-G-T. GRCh37 (hg19) VCF-style: chr2-136594190-G-T.
Other names: short protein forms H184N.
Identifiers: ClinVar variation 3647263 (VCV003647263.2).